The following is an entry in ClinVar:

NM_152631.3(FAM47B):c.30A>C (p.Pro10=)

Gene: FAM47B (family with sequence similarity 47 member B; plus strand). Cytogenetic location: Xp21.1.
Variant type: single nucleotide variant.
Coding change: c.30A>C on transcript NM_152631.3 (MANE Select); coding-DNA position 30, A replaced by C.
Protein change: p.Pro10=; no amino-acid change (proline 10 retained).
Molecular consequence: synonymous variant.
Genome position (GRCh38, 1-based): chrX:34,942,861, A>C. VCF-style: chrX-34942861-A-C. GRCh37 (hg19) VCF-style: chrX-34960978-A-C.
Identifiers: ClinVar variation 3035472 (VCV003035472.2), dbSNP rs747456969, ClinGen allele CA10380846.

ClinVar aggregate classification (germline): Likely benign (0 of 4 stars; one submission).

Conditions:
FAM47B-related disorder. Also called: FAM47B-related condition.

Allele frequency attached by ClinVar (database versions not stated): gnomAD exomes 0.00001; ExAC 0.00002; gnomAD 0.00004; TOPMed 0.00004.
gnomAD v4.1: 17 of 1,206,681 alleles (0.0014%); highest among the groups gnomAD compares: Middle Eastern, 0.023%; no homozygotes.

Submission:

PreventionGenetics, part of Exact Sciences
Classification: Likely benign for FAM47B-related condition. Last evaluated: 2019-07-31. Review status: no assertion criteria provided. Collection method: clinical testing. Allele origin: germline.
Comment: This variant is classified as likely benign based on ACMG/AMP sequence variant interpretation guidelines (Richards et al. 2015 PMID: 25741868, with internal and published modifications).